The following is an entry in ClinVar:

NM_022132.5(MCCC2):c.*1080G>T

Gene: MCCC2 (methylcrotonyl-CoA carboxylase subunit 2; plus strand). Cytogenetic location: 5q13.2.
Variant type: single nucleotide variant.
Coding change: c.*1080G>T on transcript NM_022132.5 (MANE Select); 1080 bases downstream of the stop codon, G replaced by T.
Molecular consequence: 3 prime UTR variant.
Genome position (GRCh38, 1-based): chr5:71,657,940, G>T. VCF-style: chr5-71657940-G-T. GRCh37 (hg19) VCF-style: chr5-70953767-G-T.
Other names: c.*1080G>T (NM_001363147.1).
Identifiers: ClinVar variation 354122 (VCV000354122.5), dbSNP rs7727902, ClinGen allele CA10620755.
Genomic context (GRCh38, chr5:71,657,940, plus strand): 5'-TGCATATCCAGTAGGTCTACTGGACATCTGTACTGGTTGTTGTGGAGGAACCTCTGGCTT[G>T]CTCATTAAGTCCTACTGATTTTCACTATCCCCTGAATTTCCCCACTTATTTTTGTCTTTC-3'

ClinVar aggregate classification (germline): Likely benign (1 of 4 stars; one submission).

Conditions:
3-methylcrotonyl-CoA carboxylase 2 deficiency. Also called: METHYLCROTONYLGLYCINURIA, TYPE II; 3 alpha methylcrotonyl-CoA carboxylase 2 deficiency; 3 alpha methylcrotonylglycinuria 2; MCC 2 deficiency; Methylcrotonylglycinuria type 2. Identifiers: Orphanet 6, MedGen C1859499, MONDO:0008862, OMIM 210210.

Allele frequency attached by ClinVar (database versions not stated): 1000 Genomes Project 30x 0.00781; 1000 Genomes Project 0.00839; gnomAD 0.01048 and 0.01132; TOPMed 0.01227.

Submission:

Illumina Laboratory Services, Illumina
Classification: Likely benign for 3-methylcrotonyl-CoA carboxylase 2 deficiency. Last evaluated: 2018-01-12. Review status: criteria provided, single submitter. Criteria: ICSL Variant Classification Criteria 13 December 2019. Collection method: clinical testing. Allele origin: germline.
Comment: This variant was observed in the ICSL laboratory as part of a predisposition screen in an ostensibly healthy population. It had not been previously curated by ICSL or reported in the Human Gene Mutation Database (HGMD: prior to June 1st, 2018), and was therefore a candidate for classification through an automated scoring system. Utilizing variant allele frequency, disease prevalence and penetrance estimates, and inheritance mode, an automated score was calculated to assess if this variant is too frequent to cause the disease. Based on the score and internal cut-off values, a variant classified as likely benign is not then subjected to further curation. The score for this variant resulted in a classification of likely benign for this disease.